The following is an entry in ClinVar:

NM_004360.5(CDH1):c.1603A>G (p.Ile535Val)

Gene: CDH1 (cadherin 1; plus strand). Cytogenetic location: 16q22.1.
Variant type: single nucleotide variant.
Coding change: c.1603A>G on transcript NM_004360.5 (MANE Select); coding-DNA position 1603, A replaced by G.
Protein change: p.Ile535Val; replaces isoleucine 535 with valine.
Molecular consequence: missense variant. On other transcripts: intron variant (1).
Genome position (GRCh38, 1-based): chr16:68,819,317, A>G. VCF-style: chr16-68819317-A-G. GRCh37 (hg19) VCF-style: chr16-68853220-A-G.
Other names: c.1420A>G, p.Ile474Val (NM_001317184.2); c.55A>G, p.Ile19Val (NM_001317185.2); c.-254-2684A>G (NM_001317186.2); short protein forms I19V, I474V, I535V.
Identifiers: ClinVar variation 962152 (VCV000962152.14), dbSNP rs144519845, ClinGen allele CA8130112.

ClinVar aggregate classification (germline): Conflicting classifications of pathogenicity. Review status: criteria provided, conflicting classifications (1 of 4 stars). 2 submissions from 2 submitters: Uncertain significance (1); Likely benign (1). Last evaluated 2026-05-15.

Conditions:
Hereditary cancer-predisposing syndrome. Also called: Hereditary Cancer Syndrome; Neoplastic Syndromes, Hereditary; Tumor predisposition; Hereditary neoplastic syndrome. Identifiers: Orphanet 140162, MedGen C0027672, MeSH D009386, MONDO:0015356.
Hereditary diffuse gastric adenocarcinoma (HDGC). Also called: DIFFUSE GASTRIC AND LOBULAR BREAST CANCER SYNDROME. Identifiers: Orphanet 26106, MedGen C1708349, MONDO:0007648, OMIM 137215.

Allele frequency attached by ClinVar (database versions not stated): ExAC 0.00001; ESP Exome Variant Server 0.00008; gnomAD exomes below 0.00001.
gnomAD v4.1: 2 of 1,614,152 alleles (0.00012%); highest among the groups gnomAD compares: Non-Finnish European, 0.00017%; no homozygotes.

Submissions (2):

Ambry Genetics
Classification: Likely benign for Hereditary cancer-predisposing syndrome. Last evaluated: 2026-05-15. Review status: criteria provided, single submitter. Criteria: Ambry Variant Classification Scheme 2023. Collection method: clinical testing. Allele origin: germline.

Labcorp Genetics (formerly Invitae), Labcorp
Classification: Uncertain significance for Hereditary diffuse gastric adenocarcinoma. Last evaluated: 2019-08-10. Review status: criteria provided, single submitter. Criteria: Invitae Variant Classification Sherloc (09022015). Collection method: clinical testing. Allele origin: germline.
Comment: In summary, the available evidence is currently insufficient to determine the role of this variant in disease. Therefore, it has been classified as a Variant of Uncertain Significance. Algorithms developed to predict the effect of sequence changes on RNA splicing suggest that this variant may create or strengthen a splice site, but this prediction has not been confirmed by published transcriptional studies. Algorithms developed to predict the effect of missense changes on protein structure and function output the following: SIFT: "Tolerated"; PolyPhen-2: "Benign"; Align-GVGD: "Class C0". The valine amino acid residue is found in multiple mammalian species, suggesting that this missense change does not adversely affect protein function. These predictions have not been confirmed by published functional studies and their clinical significance is uncertain. This variant has not been reported in the literature in individuals with CDH1-related conditions. This variant is present in population databases (rs144519845, ExAC 0.001%). This sequence change replaces isoleucine with valine at codon 535 of the CDH1 protein (p.Ile535Val). The isoleucine residue is moderately conserved and there is a small physicochemical difference between isoleucine and valine.